The following is an entry in ClinVar:

NM_005472.5(KCNE3):c.120C>G (p.Asp40Glu)

Gene: KCNE3 (potassium voltage-gated channel subfamily E regulatory subunit 3; minus strand). Cytogenetic location: 11q13.4.
Variant type: single nucleotide variant.
Coding change: c.120C>G on transcript NM_005472.5 (MANE Select); coding-DNA position 120, C replaced by G.
Protein change: p.Asp40Glu; replaces aspartic acid 40 with glutamic acid.
Molecular consequence: missense variant.
Genome position (GRCh38, 1-based): chr11:74,457,444, G>C on the plus strand (C>G on the coding strand, the complement: KCNE3 is on the minus strand). VCF-style: chr11-74457444-G-C. GRCh37 (hg19) VCF-style: chr11-74168489-G-C.
Other names: short protein forms D40E.
Identifiers: ClinVar variation 538115 (VCV000538115.17), dbSNP rs141880803, ClinGen allele CA6184854.
Genomic context (GRCh38, chr11:74,457,444, plus strand): 5'-GTACATGTAGGAGTTGTCATCACGGCCAGGTAGGCTGGCCCGCCTCTCTTCAGTCTGGTT[G>C]TCTGGCCCCAGCCCTGGCCCTGGCCGGCAGAGCAAATTGCTGTGAAGAGTGGCATTTAGA-3'
Protein context (NP_005463.1, residues 30-50): LCRPGPGLGP[Asp40Glu]NQTEERRASL

ClinVar aggregate classification (germline): Uncertain significance. Review status: criteria provided, multiple submitters, no conflicts (2 of 4 stars). 3 submissions from 3 submitters: Uncertain significance (3). Last evaluated 2025-10-25.

Conditions:
Brugada syndrome 6 (BRGDA6). Identifiers: Orphanet 130, MedGen C2751089, MONDO:0013145, OMIM 613119.
Cardiovascular phenotype. Identifiers: MedGen CN230736.

Allele frequency attached by ClinVar (database versions not stated): TOPMed 0.00003; ExAC 0.00004; gnomAD exomes 0.00004; gnomAD 0.00006; ESP Exome Variant Server 0.00008; 1000 Genomes Project 0.00020; 1000 Genomes Project 30x 0.00031.
gnomAD v4.1: 64 of 1,614,004 alleles (0.004%); highest among the groups gnomAD compares: Non-Finnish European, 0.0049%; no homozygotes.

Submissions (3):

Ambry Genetics
Classification: Uncertain significance for Cardiovascular phenotype. Last evaluated: 2025-10-25. Review status: criteria provided, single submitter. Criteria: Ambry Variant Classification Scheme 2023. Collection method: clinical testing. Allele origin: germline.
Comment: The p.D40E variant (also known as c.120C>G), located in coding exon 1 of the KCNE3 gene, results from a C to G substitution at nucleotide position 120. The aspartic acid at codon 40 is replaced by glutamic acid, an amino acid with highly similar properties. This amino acid position is well conserved in available vertebrate species. In addition, this alteration is predicted to be tolerated by in silico analysis. Since supporting evidence is limited at this time, the clinical significance of this alteration remains unclear.

Labcorp Genetics (formerly Invitae), Labcorp
Classification: Uncertain significance for Brugada syndrome 6. Last evaluated: 2023-08-30. Review status: criteria provided, single submitter. Criteria: Invitae Variant Classification Sherloc (09022015). Collection method: clinical testing. Allele origin: germline.
Comment: This variant has not been reported in the literature in individuals affected with KCNE3-related conditions. This variant is present in population databases (rs141880803, gnomAD 0.006%). This sequence change replaces aspartic acid, which is acidic and polar, with glutamic acid, which is acidic and polar, at codon 40 of the KCNE3 protein (p.Asp40Glu). ClinVar contains an entry for this variant (Variation ID: 538115). In summary, the available evidence is currently insufficient to determine the role of this variant in disease. Therefore, it has been classified as a Variant of Uncertain Significance. An algorithm developed to predict the effect of missense changes on protein structure and function (PolyPhen-2) suggests that this variant is likely to be tolerated.

Fulgent Genetics
Classification: Uncertain significance for Brugada syndrome 6. Last evaluated: 2021-08-12. Review status: criteria provided, single submitter. Criteria: ACMG Guidelines, 2015. Collection method: clinical testing. Allele origin: unknown.